The following is an entry in ClinVar:

NM_000875.5(IGF1R):c.803C>A (p.Thr268Asn)

Gene: IGF1R (insulin like growth factor 1 receptor; plus strand). Cytogenetic location: 15q26.3.
Variant type: single nucleotide variant.
Coding change: c.803C>A on transcript NM_000875.5 (MANE Select); coding-DNA position 803, C replaced by A.
Protein change: p.Thr268Asn; replaces threonine 268 with asparagine.
Molecular consequence: missense variant.
Genome position (GRCh38, 1-based): chr15:98,891,487, C>A. VCF-style: chr15-98891487-C-A. GRCh37 (hg19) VCF-style: chr15-99434716-C-A.
Other names: c.803C>A (NM_000875.4); c.803C>A, p.Thr268Asn (NM_001291858.2); short protein forms T268N.
Identifiers: ClinVar variation 3068146 (VCV003068146.2), dbSNP rs2013913623, ClinGen allele CA393665834.

ClinVar aggregate classification (germline): Uncertain significance. Review status: criteria provided, multiple submitters, no conflicts (2 of 4 stars). 2 submissions from 2 submitters: Uncertain significance (2). Last evaluated 2026-02-24.

Conditions:
IGF1R-related disorder. Also called: IGF1R-related condition.
Growth delay due to insulin-like growth factor I resistance. Also called: Somatomedin end-organ insensitivity to; Somatomedin-c resistance to; IGF-1 resistance; IGF-I RESISTANCE; Insulin-Like Growth Factor I Resistance. Identifiers: Orphanet 73273, MedGen C1849157, MONDO:0010038, OMIM 270450.

Allele frequency attached by ClinVar (database versions not stated): TOPMed 0.00001; gnomAD exomes below 0.00001.
gnomAD v4.1: 2 of 1,614,124 alleles (0.00012%); highest among the groups gnomAD compares: Middle Eastern, 0.016%; no homozygotes.

Submissions (2):

PreventionGenetics, part of Exact Sciences
Classification: Uncertain significance for IGF1R-related condition. Last evaluated: 2026-02-24. Review status: criteria provided, single submitter. Criteria: ACMG Guidelines, 2015. Collection method: clinical testing. Allele origin: germline.
Comment: The IGF1R c.803C>A variant is predicted to result in the amino acid substitution p.Thr268Asn. To our knowledge, this variant has not been reported in the literature or in a large population database (gnomAD), indicating this variant is rare. At this time, the clinical significance of this variant is uncertain due to the absence of conclusive functional and genetic evidence.

Genomic Medicine Center of Excellence, King Faisal Specialist Hospital and Research Centre
Classification: Uncertain significance for Growth delay due to insulin-like growth factor I resistance. Last evaluated: 2024-04-04. Review status: criteria provided, single submitter. Criteria: ACMG Guidelines, 2015. Collection method: clinical testing. Allele origin: germline.